The following is an entry in ClinVar:

ClinVar aggregate classification (germline): Uncertain significance (1 of 4 stars; one submission).

Conditions:
Noonan syndrome 4 (NS4). Also called: NOONAN SYNDROME WITH PIGMENTED VILLONODULAR SYNOVITIS; SOS1-Related Noonan Syndrome. Identifiers: Orphanet 648, MedGen C1853120, MONDO:0012547, OMIM 610733.

Submission:

Laboratory of Medical Genetics, National & Kapodistrian University of Athens
Classification: Uncertain significance for Noonan syndrome 4. Last evaluated: 2018-03-10. Review status: criteria provided, single submitter. Criteria: ACMG Guidelines, 2015. Collection method: clinical testing. Allele origin: de novo. Affected: yes.
Comment: PM2

NM_005633.4(SOS1):c.3068C>G (p.Pro1023Arg)

Gene: SOS1 (SOS Ras/Rac guanine nucleotide exchange factor 1; minus strand). Cytogenetic location: 2p22.1.
Variant type: single nucleotide variant.
Coding change: c.3068C>G on transcript NM_005633.4 (MANE Select); coding-DNA position 3068, C replaced by G.
Protein change: p.Pro1023Arg; replaces proline 1023 with arginine.
Molecular consequence: missense variant.
Genome position (GRCh38, 1-based): chr2:38,996,935, G>C on the plus strand (C>G on the coding strand, the complement: SOS1 is on the minus strand). VCF-style: chr2-38996935-G-C. GRCh37 (hg19) VCF-style: chr2-39224076-G-C.
Other names: c.3047C>G, p.Pro1016Arg (NM_001382394.1); c.3068C>G, p.Pro1023Arg (NM_001382395.1); short protein forms P1023R, P1016R.
Identifiers: ClinVar variation 637024 (VCV000637024.1), dbSNP rs1572806229, ClinGen allele CA346361316.